The following is an entry in ClinVar:

ClinVar aggregate classification (germline): Benign/Likely benign. Review status: criteria provided, multiple submitters, no conflicts (2 of 4 stars). 8 submissions from 7 submitters: Benign (4); Likely benign (4). Last evaluated 2026-03-01.

Conditions:
Familial cutaneous telangiectasia and oropharyngeal predisposition cancer syndrome. Identifiers: Orphanet 313846, MedGen C3281203, MONDO:0013806, OMIM 614564.
Seckel syndrome 1 (SCKL1). Also called: MICROCEPHALIC PRIMORDIAL DWARFISM I. Identifiers: Orphanet 808, MedGen C4551474, MONDO:0008869, OMIM 210600.
Inborn genetic diseases. Identifiers: MedGen C0950123, MeSH D030342.

Allele frequency attached by ClinVar (database versions not stated): gnomAD exomes 0.00024 and 0.00056; ExAC 0.00073; 1000 Genomes Project 0.00180; gnomAD 0.00195 and 0.00211; TOPMed 0.00216; 1000 Genomes Project 30x 0.00219; ESP Exome Variant Server 0.00254.
gnomAD v4.1: 648 of 1,613,944 alleles (0.04%); highest among the groups gnomAD compares: African/African-American, 0.7%; 5 homozygotes.

Submissions (8):

CeGaT Center for Human Genetics Tuebingen
Classification: Likely benign. Last evaluated: 2026-03-01. Review status: criteria provided, single submitter. Criteria: CeGaT Center For Human Genetics Tuebingen Variant Classification Criteria Version 2. Collection method: clinical testing. Allele origin: germline. Affected: yes. Observed: 5 variant alleles.
Comment: ATR: BP4, BP7

Labcorp Genetics (formerly Invitae), Labcorp
Classification: Benign. Last evaluated: 2026-02-03. Review status: criteria provided, single submitter. Criteria: Invitae Variant Classification Sherloc (09022015). Collection method: clinical testing. Allele origin: germline.

Blueprint Genetics
Classification: Likely benign. Last evaluated: 2024-11-06. Review status: criteria provided, single submitter. Criteria: ACMG Guidelines, 2015. Collection method: clinical testing. Allele origin: germline.

Genome-Nilou Lab
Classification: Benign for Seckel syndrome 1. Last evaluated: 2023-02-08. Review status: criteria provided, single submitter. Criteria: ACMG Guidelines, 2015. Collection method: clinical testing. Allele origin: germline.

Genome-Nilou Lab
Classification: Benign for Familial cutaneous telangiectasia and oropharyngeal predisposition cancer syndrome. Last evaluated: 2023-02-08. Review status: criteria provided, single submitter. Criteria: ACMG Guidelines, 2015. Collection method: clinical testing. Allele origin: germline.

Ambry Genetics
Classification: Likely benign for Inborn genetic diseases. Last evaluated: 2022-02-12. Review status: criteria provided, single submitter. Criteria: Ambry Variant Classification Scheme 2023. Collection method: clinical testing. Allele origin: germline.

GeneDx
Classification: Likely benign. Last evaluated: 2020-10-21. Review status: criteria provided, single submitter. Criteria: GeneDx Variant Classification Process June 2021. Collection method: clinical testing. Allele origin: germline. Affected: yes.

Illumina Laboratory Services, Illumina
Classification: Benign for Seckel syndrome 1. Last evaluated: 2017-04-27. Review status: criteria provided, single submitter. Criteria: ICSL Variant Classification Criteria 13 December 2019. Collection method: clinical testing. Allele origin: germline.
Comment: This variant was observed as part of a predisposition screen in an ostensibly healthy population. A literature search was performed for the gene, cDNA change, and amino acid change (where applicable). No publications were found based on this search. Allele frequency data from public databases was too high to be consistent with this variant causing disease. Therefore, this variant is classified as benign.

NM_001184.4(ATR):c.816A>G (p.Ser272=)

Gene: ATR (ATR checkpoint kinase; minus strand). Cytogenetic location: 3q23.
Variant type: single nucleotide variant.
Coding change: c.816A>G on transcript NM_001184.4 (MANE Select); coding-DNA position 816, A replaced by G.
Protein change: p.Ser272=; no amino-acid change (serine 272 retained).
Molecular consequence: synonymous variant.
Genome position (GRCh38, 1-based): chr3:142,562,586, T>C on the plus strand (A>G on the coding strand, the complement: ATR is on the minus strand). VCF-style: chr3-142562586-T-C. GRCh37 (hg19) VCF-style: chr3-142281428-T-C.
Other names: c.816A>G, p.Ser272= (NM_001354579.2).
Identifiers: ClinVar variation 509220 (VCV000509220.45), dbSNP rs34685245, ClinGen allele CA2650723.